The following is an entry in ClinVar:

NM_002340.6(LSS):c.339C>T (p.His113=)

Gene: LSS (lanosterol synthase; minus strand). Cytogenetic location: 21q22.3.
Variant type: single nucleotide variant.
Coding change: c.339C>T on transcript NM_002340.6 (MANE Select); coding-DNA position 339, C replaced by T.
Protein change: p.His113=; no amino-acid change (histidine 113 retained).
Molecular consequence: synonymous variant.
Genome position (GRCh38, 1-based): chr21:46,222,719, G>A on the plus strand (C>T on the coding strand, the complement: LSS is on the minus strand). VCF-style: chr21-46222719-G-A. GRCh37 (hg19) VCF-style: chr21-47642633-G-A.
Other names: c.339C>T, p.His113= (NM_001001438.3, NM_001145436.2); c.99C>T, p.His33= (NM_001145437.2); c.339C>T (NM_001001438.2).
Identifiers: ClinVar variation 2063100 (VCV002063100.6), dbSNP rs373018005, ClinGen allele CA10075510.

ClinVar aggregate classification (germline): Likely benign. Review status: criteria provided, single submitter (1 of 4 stars). 2 submissions from 2 submitters: Likely benign (1). 1 of the submissions does not count toward it. Last evaluated 2024-12-10.

Conditions:
LSS-related disorder. Also called: LSS-related condition.

Allele frequency attached by ClinVar (database versions not stated): ExAC 0.00003; ESP Exome Variant Server 0.00008.
gnomAD v4.1: 34 of 1,613,588 alleles (0.0021%); highest among the groups gnomAD compares: East Asian, 0.011%; no homozygotes.

Submissions (2):

Labcorp Genetics (formerly Invitae), Labcorp
Classification: Likely benign. Last evaluated: 2024-12-10. Review status: criteria provided, single submitter. Criteria: Invitae Variant Classification Sherloc (09022015). Collection method: clinical testing. Allele origin: germline.

PreventionGenetics, part of Exact Sciences
Classification: Likely benign for LSS-related condition. Last evaluated: 2019-08-26. Review status: no assertion criteria provided. Collection method: clinical testing. Allele origin: germline. Not counted in ClinVar's aggregate classification.
Comment: This variant is classified as likely benign based on ACMG/AMP sequence variant interpretation guidelines (Richards et al. 2015 PMID: 25741868, with internal and published modifications).